The following is an entry in ClinVar:

NM_016628.5(WAC):c.304C>G (p.His102Asp)

Gene: WAC (WW domain containing adaptor with coiled-coil; plus strand). Cytogenetic location: 10p12.1.
Variant type: single nucleotide variant.
Coding change: c.304C>G on transcript NM_016628.5 (MANE Select); coding-DNA position 304, C replaced by G.
Protein change: p.His102Asp; replaces histidine 102 with aspartic acid.
Molecular consequence: missense variant.
Genome position (GRCh38, 1-based): chr10:28,583,428, C>G. VCF-style: chr10-28583428-C-G. GRCh37 (hg19) VCF-style: chr10-28872357-C-G.
Other names: c.169C>G, p.His57Asp (NM_100264.3); c.304C>G, p.His102Asp (NM_100486.4); short protein forms H102D, H57D.
Identifiers: ClinVar variation 3364168 (VCV003364168.1).
Genomic context (GRCh38, chr10:28,583,428, plus strand): 5'-TGTAATTCACTTTGTTCTTTATTTTTTTAAGGGACCAGTTACTCTCCACAAGAAAATTCA[C>G]ACAACCACAGTGCTCTTCATAGTTCAAATTCACATTCTTCTAATCCAAGCAATAACCCAA-3'
Protein context (NP_057712.2, residues 92-112): GTSYSPQENS[His102Asp]NHSALHSSNS

ClinVar aggregate classification (germline): Uncertain significance (1 of 4 stars; one submission).

gnomAD v4.1: 1 of 1,585,004 alleles (0.000063%); highest among the groups gnomAD compares: African/African-American, 0.0014%; no homozygotes.

Submission:

GeneDx
Classification: Uncertain significance. Last evaluated: 2023-11-15. Review status: criteria provided, single submitter. Criteria: GeneDx Variant Classification Process June 2021. Collection method: clinical testing. Allele origin: germline. Affected: yes.
Comment: Not observed at significant frequency in large population cohorts (gnomAD); In silico analysis supports that this missense variant has a deleterious effect on protein structure/function; Has not been previously published as pathogenic or benign to our knowledge